The following is an entry in ClinVar:

ClinVar aggregate classification (germline): Uncertain significance (1 of 4 stars; one submission).

Submission:

Labcorp Genetics (formerly Invitae), Labcorp
Classification: Uncertain significance. Last evaluated: 2024-12-18. Review status: criteria provided, single submitter. Criteria: Invitae Variant Classification Sherloc (09022015). Collection method: clinical testing. Allele origin: germline.
Comment: This variant, c.3580_3582del, results in the deletion of 1 amino acid(s) of the ANKRD26 protein (p.Lys1194del), but otherwise preserves the integrity of the reading frame. This variant is present in population databases (rs761323853, gnomAD 0.02%). This variant has not been reported in the literature in individuals affected with ANKRD26-related conditions. Experimental studies and prediction algorithms are not available or were not evaluated, and the functional significance of this variant is currently unknown. In summary, the available evidence is currently insufficient to determine the role of this variant in disease. Therefore, it has been classified as a Variant of Uncertain Significance.

NM_014915.3(ANKRD26):c.3580_3582del (p.Lys1194del)

Gene: ANKRD26 (ankyrin repeat domain 26; minus strand). Cytogenetic location: 10p12.1.
Variant type: Deletion.
Coding change: c.3580_3582del on transcript NM_014915.3 (MANE Select); coding-DNA positions 3580 to 3582, 3 bases deleted (AAG; older notation c.3580_3582delAAG).
Protein change: p.Lys1194del; deletes lysine 1194.
Genome position (GRCh38, 1-based): chr10:27,034,868-27,034,870, CTT deleted on the plus strand (AAG on the coding strand, the reverse complement: ANKRD26 is on the minus strand). VCF-style (leftmost placement, unchanged base first): chr10-27034867-CCTT-C. GRCh37 (hg19) VCF-style: chr10-27323796-CCTT-C.
Other names: c.3577_3579del, p.Lys1193del (NM_001256053.2); short protein forms K1193del, K1194del.
Identifiers: ClinVar variation 3712019 (VCV003712019.2).
Genomic context (GRCh38, chr10:27,034,867, plus strand): 5'-CCTTTTCATTTTCATATTGATACTGTCTTTCTTTTAAGTGATTACATTCACTGATTAACT[CCTT>C]ATTTCTTTCTTCTAGCAGAAGACTTTGCTTTTCACTCTCAGCTTGAAGTTTTTGCACAAT-3'